The following is an entry in ClinVar:

ClinVar aggregate classification (germline): Uncertain significance (1 of 4 stars; one submission).

gnomAD v4.1: 12 of 1,614,156 alleles (0.00074%); highest among the groups gnomAD compares: East Asian, 0.0067%; no homozygotes.

Submission:

Labcorp Genetics (formerly Invitae), Labcorp
Classification: Uncertain significance. Last evaluated: 2024-11-22. Review status: criteria provided, single submitter. Criteria: Invitae Variant Classification Sherloc (09022015). Collection method: clinical testing. Allele origin: germline.
Comment: This sequence change replaces tyrosine, which is neutral and polar, with cysteine, which is neutral and slightly polar, at codon 893 of the HPS5 protein (p.Tyr893Cys). This variant is present in population databases (no rsID available, gnomAD 0.006%). This variant has not been reported in the literature in individuals affected with HPS5-related conditions. An algorithm developed to predict the effect of missense changes on protein structure and function (PolyPhen-2) suggests that this variant is likely to be disruptive. In summary, the available evidence is currently insufficient to determine the role of this variant in disease. Therefore, it has been classified as a Variant of Uncertain Significance.

NM_181507.2(HPS5):c.2678A>G (p.Tyr893Cys)

Gene: HPS5 (HPS5 biogenesis of lysosomal organelles complex 2 subunit 2; minus strand). Cytogenetic location: 11p15.1.
Variant type: single nucleotide variant.
Coding change: c.2678A>G on transcript NM_181507.2 (MANE Select); coding-DNA position 2678, A replaced by G.
Protein change: p.Tyr893Cys; replaces tyrosine 893 with cysteine.
Molecular consequence: missense variant.
Genome position (GRCh38, 1-based): chr11:18,287,574, T>C on the plus strand (A>G on the coding strand, the complement: HPS5 is on the minus strand). VCF-style: chr11-18287574-T-C. GRCh37 (hg19) VCF-style: chr11-18309121-T-C.
Other names: c.2336A>G, p.Tyr779Cys (NM_007216.4, NM_181508.2); short protein forms Y779C, Y893C.
Identifiers: ClinVar variation 3610173 (VCV003610173.2).